The following is an entry in ClinVar:

ClinVar aggregate classification (germline): Benign/Likely benign. Review status: criteria provided, multiple submitters, no conflicts (2 of 4 stars). 2 submissions from 2 submitters: Benign (1); Likely benign (1). Last evaluated 2019-12-31.

Conditions:
Amelogenesis imperfecta (AI). Also called: Congenital enamel hypoplasia. Identifiers: Orphanet 88661, MedGen C0002452, MONDO:0019507, HP:0000705.

Allele frequency attached by ClinVar (database versions not stated): gnomAD exomes 0.00097 and 0.00249; ExAC 0.00312; ESP Exome Variant Server 0.00946; gnomAD 0.00947 and 0.01007; TOPMed 0.01011; 1000 Genomes Project 0.01298; 1000 Genomes Project 30x 0.01483.
gnomAD v4.1: 2,909 of 1,613,916 alleles (0.18%); highest among the groups gnomAD compares: African/African-American, 3.4%; 57 homozygotes.

Submissions (2):

Labcorp Genetics (formerly Invitae), Labcorp
Classification: Benign. Last evaluated: 2019-12-31. Review status: criteria provided, single submitter. Criteria: Invitae Variant Classification Sherloc (09022015). Collection method: clinical testing. Allele origin: germline.

Illumina Laboratory Services, Illumina
Classification: Likely benign for Amelogenesis imperfecta. Last evaluated: 2018-01-13. Review status: criteria provided, single submitter. Criteria: ICSL Variant Classification Criteria 13 December 2019. Collection method: clinical testing. Allele origin: germline.
Comment: This variant was observed in the ICSL laboratory as part of a predisposition screen in an ostensibly healthy population. It had not been previously curated by ICSL or reported in the Human Gene Mutation Database (HGMD: prior to June 1st, 2018), and was therefore a candidate for classification through an automated scoring system. Utilizing variant allele frequency, disease prevalence and penetrance estimates, and inheritance mode, an automated score was calculated to assess if this variant is too frequent to cause the disease. Based on the score and internal cut-off values, a variant classified as likely benign is not then subjected to further curation. The score for this variant resulted in a classification of likely benign for this disease.

NM_031889.3(ENAM):c.1165G>A (p.Gly389Ser)

Gene: ENAM (enamelin; plus strand). Cytogenetic location: 4q13.3.
Variant type: single nucleotide variant.
Coding change: c.1165G>A on transcript NM_031889.3 (MANE Select); coding-DNA position 1165, G replaced by A.
Protein change: p.Gly389Ser; replaces glycine 389 with serine.
Molecular consequence: missense variant.
Genome position (GRCh38, 1-based): chr4:70,642,591, G>A. VCF-style: chr4-70642591-G-A. GRCh37 (hg19) VCF-style: chr4-71508308-G-A.
Other names: c.511G>A, p.Gly171Ser (NM_001368133.1); short protein forms G389S, G171S.
Identifiers: ClinVar variation 775985 (VCV000775985.8), dbSNP rs74511578, ClinGen allele CA2952083.
Genomic context (GRCh38, chr4:70,642,591, plus strand): 5'-AAACAAGTAGCTCGTCCAGGAAATCCAGTTTATCACAAAGCTTACCCTCCTACTTCAAGA[G>A]GCAATTATCCCAATTATGCAGGAAATCCAGCAAATCTCAGAAGAAAGCCTCAGGGGCCAA-3'
Protein context (NP_114095.2, residues 379-399): YHKAYPPTSR[Gly389Ser]NYPNYAGNPA